The following is an entry in ClinVar:

ClinVar aggregate classification (germline): Conflicting classifications of pathogenicity. Review status: criteria provided, conflicting classifications (1 of 4 stars). 4 submissions from 4 submitters: Uncertain significance (3); Likely benign (1). Last evaluated 2026-08-27.

Conditions:
TRRAP-related disorder. Also called: TRRAP-related condition.
Inborn genetic diseases. Identifiers: MedGen C0950123, MeSH D030342.

Allele frequency attached by ClinVar (database versions not stated): gnomAD 0.00003 and 0.00004; TOPMed 0.00004; ExAC 0.00003; ESP Exome Variant Server 0.00008.

Submissions (4):

Ambry Genetics
Classification: Likely benign for Inborn genetic diseases. Last evaluated: 2026-08-27. Review status: criteria provided, single submitter. Criteria: Ambry Variant Classification Scheme 2023. Collection method: clinical testing. Allele origin: germline.

PreventionGenetics, part of Exact Sciences
Classification: Uncertain significance for TRRAP-related condition. Last evaluated: 2026-05-26. Review status: criteria provided, single submitter. Criteria: ACMG Guidelines, 2015. Collection method: clinical testing. Allele origin: germline.
Comment: The TRRAP c.6181C>T variant is predicted to result in the amino acid substitution p.Pro2061Ser. To our knowledge, this variant has not been reported in the literature. This variant is reported in 0.0023% of alleles in individuals of European (Non-Finnish) descent in gnomAD. At this time, the clinical significance of this variant is uncertain due to the absence of conclusive functional and genetic evidence.

Labcorp Genetics (formerly Invitae), Labcorp
Classification: Uncertain significance. Last evaluated: 2024-11-18. Review status: criteria provided, single submitter. Criteria: Invitae Variant Classification Sherloc (09022015). Collection method: clinical testing. Allele origin: germline.
Comment: This sequence change replaces proline, which is neutral and non-polar, with serine, which is neutral and polar, at codon 2061 of the TRRAP protein (p.Pro2061Ser). This variant is present in population databases (rs369775505, gnomAD 0.004%). This variant has not been reported in the literature in individuals affected with TRRAP-related conditions. ClinVar contains an entry for this variant (Variation ID: 986155). Invitae Evidence Modeling of protein sequence and biophysical properties (such as structural, functional, and spatial information, amino acid conservation, physicochemical variation, residue mobility, and thermodynamic stability) indicates that this missense variant is not expected to disrupt TRRAP protein function with a negative predictive value of 80%. In summary, the available evidence is currently insufficient to determine the role of this variant in disease. Therefore, it has been classified as a Variant of Uncertain Significance.

Breakthrough Genomics
Classification: Uncertain significance. Review status: criteria provided, single submitter. Criteria: ACMG Guidelines, 2015. Collection method: not provided. Allele origin: germline. Inheritance: Autosomal recessive inheritance. Affected: yes.

NM_001375524.1(TRRAP):c.6256C>T (p.Pro2086Ser)

Gene: TRRAP (transformation/transcription domain associated protein; plus strand). Cytogenetic location: 7q22.1.
Variant type: single nucleotide variant.
Coding change: c.6256C>T on transcript NM_001375524.1 (MANE Select); coding-DNA position 6256, C replaced by T.
Protein change: p.Pro2086Ser; replaces proline 2086 with serine.
Molecular consequence: missense variant.
Genome position (GRCh38, 1-based): chr7:98,958,005, C>T. VCF-style: chr7-98958005-C-T. GRCh37 (hg19) VCF-style: chr7-98555628-C-T.
Other names: c.6181C>T (NM_003496.3); c.6235C>T, p.Pro2079Ser (NM_001244580.2); c.6181C>T, p.Pro2061Ser (NM_003496.4); short protein forms P2061S, P2079S, P2086S.
Identifiers: ClinVar variation 986155 (VCV000986155.8), dbSNP rs369775505, ClinGen allele CA4360798.